The following is an entry in ClinVar:

ClinVar aggregate classification (germline): Uncertain significance (1 of 4 stars; one submission).

Conditions:
Cardiovascular phenotype. Identifiers: MedGen CN230736.

Submission:

Ambry Genetics
Classification: Uncertain significance for Cardiovascular phenotype. Last evaluated: 2021-04-30. Review status: criteria provided, single submitter. Criteria: Ambry Variant Classification Scheme 2023. Collection method: clinical testing. Allele origin: germline.
Comment: The p.A3421S variant (also known as c.10261G>T), located in coding exon 71 of the DMD gene, results from a G to T substitution at nucleotide position 10261. The alanine at codon 3421 is replaced by serine, an amino acid with similar properties. This amino acid position is well conserved in available vertebrate species. In addition, this alteration is predicted to be tolerated by in silico analysis. Since supporting evidence is limited at this time, the clinical significance of this alteration remains unclear.

NM_004006.3(DMD):c.10261G>T (p.Ala3421Ser)

Gene: DMD (dystrophin; minus strand). Cytogenetic location: Xp21.2.
Variant type: single nucleotide variant.
Coding change: c.10261G>T on transcript NM_004006.3 (MANE Select); coding-DNA position 10261, G replaced by T.
Protein change: p.Ala3421Ser; replaces alanine 3421 with serine.
Molecular consequence: missense variant. On other transcripts: intron variant (5).
Genome position (GRCh38, 1-based): chrX:31,177,933, C>A on the plus strand (G>T on the coding strand, the complement: DMD is on the minus strand). VCF-style: chrX-31177933-C-A. GRCh37 (hg19) VCF-style: chrX-31196050-C-A.
Other names: c.10237G>T, p.Ala3413Ser (NM_000109.4); c.10249G>T, p.Ala3417Ser (NM_004009.3); c.9892G>T, p.Ala3298Ser (NM_004010.3); c.6238G>T, p.Ala2080Ser (NM_004011.4); c.6229G>T, p.Ala2077Ser (NM_004012.4); c.2881G>T, p.Ala961Ser (NM_004013.3, NM_004021.3); c.2074G>T, p.Ala692Ser (NM_004014.3); c.1057G>T, p.Ala353Ser (NM_004015.3, NM_004016.3); and 2 more; short protein forms A3417S, A3298S, A3413S, A353S, A2077S, A2080S, A3421S, A961S.
Identifiers: ClinVar variation 1769433 (VCV001769433.2), dbSNP rs2040705871, ClinGen allele CA412652585.